The following continues an entry in ClinVar:

NM_000059.4(BRCA2):c.7007G>A (p.Arg2336His)

Gene: BRCA2. ClinVar aggregate classification (germline): Pathogenic. Pathogenic (1). ClinVar aggregate classification (oncogenicity): Oncogenic.

Submissions 30 to 50 of 50:

Women's Health and Genetics/Laboratory Corporation of America, LabCorp
Classification: Pathogenic for Hereditary breast and ovarian cancer syndrome. Last evaluated: 2020-07-23. Review status: criteria provided, single submitter. Criteria: LabCorp Variant Classification Summary - May 2015. Collection method: clinical testing. Allele origin: germline. Not counted in ClinVar's aggregate classification.
Comment: Variant summary: BRCA2 c.7007G>A (p.Arg2336His) alters a conserved last nucleotide located within exon 13 comprising the exonic splice region. At the protein level, it results in a non-conservative amino acid change in the encoded protein sequence. Three of five in-silico tools predict a damaging effect of the variant on protein function. Several computational tools predict a significant impact on normal splicing: three predict the variant abolishes splicing through the canonical 5' splicing donor site. Several publications report experimental evidence that this variant affects mRNA splicing resulting in skipping of exon 13 (example, Sanz_2010, Thomassen_2006, Claes_2004). The variant was absent in 247772 control chromosomes. c.7007G>A has been reported in the literature in multiple individuals affected with Hereditary Breast And Ovarian Cancer Syndrome and Fanconi Anemia (example, Sanz_2010, Thomassen_2006, Konstantopoulou_2008, Ahmad_2012, Biswas_2011, Beristain_2010, Brooks_2006, Ghazwani_2016, Gorski_2004, Peixoto_2014, Siraj_2019). These data indicate that the variant is very likely to be associated with disease. At least one publication reports experimental evidence evaluating an impact on protein function. The most pronounced variant effect results in an inability to rescue the lethality of BRCA2-null mouse embryonic stem cells (Biswas_2011). Fourteen clinical diagnostic laboratories and one expert panel (ENIGMA) have submitted clinical-significance assessments for this variant to ClinVar after 2014 without evidence for independent evaluation. All submitters classified the variant as pathogenic (n=14)/likely pathogenic. Based on the evidence outlined above, the variant was classified as pathogenic.

Mendelics
Classification: Pathogenic for Breast-ovarian cancer, familial, susceptibility to, 2. Last evaluated: 2019-05-28. Review status: criteria provided, single submitter. Criteria: Mendelics Assertion Criteria 2017. Collection method: clinical testing. Allele origin: unknown. Not counted in ClinVar's aggregate classification.

Centre for Mendelian Genomics, University Medical Centre Ljubljana
Classification: Pathogenic for Breast-ovarian cancer, familial, susceptibility to, 2. Last evaluated: 2018-11-06. Review status: criteria provided, single submitter. Criteria: ACMG Guidelines, 2015. Collection method: clinical testing. Allele origin: unknown. Affected: yes. Not counted in ClinVar's aggregate classification.
Comment: This variant was classified as: Pathogenic. The following ACMG criteria were applied in classifying this variant: PM1,PM2,PM5,PP1.

Eurofins Ntd Llc (ga)
Classification: Pathogenic. Last evaluated: 2017-06-20. Review status: criteria provided, single submitter. Criteria: EGL Classification Definitions 2015. Collection method: clinical testing. Allele origin: germline. Not counted in ClinVar's aggregate classification.

Consortium of Investigators of Modifiers of BRCA1/2 (CIMBA), c/o University of Cambridge
Classification: Pathogenic for Breast-ovarian cancer, familial, susceptibility to, 2. Last evaluated: 2015-10-02. Review status: criteria provided, single submitter. Criteria: CIMBA Mutation Classification guidelines May 2016. Collection method: clinical testing. Allele origin: germline. Not counted in ClinVar's aggregate classification.

Clinical Genetics DNA and cytogenetics Diagnostics Lab, Erasmus MC, Erasmus Medical Center
Classification: Pathogenic for Breast-ovarian cancer, familial, susceptibility to, 2. Last evaluated: 2015-09-21. Review status: criteria provided, single submitter. Criteria: ACGS Guidelines, 2013. Collection method: clinical testing. Allele origin: germline. Affected: yes. Study: VKGL Data-share Consensus. Not counted in ClinVar's aggregate classification.

Genesis Genomics
Classification: Pathogenic for Familial prostate cancer. Review status: criteria provided, single submitter. Criteria: ACMG Guidelines, 2015. Collection method: clinical testing. Allele origin: germline. Affected: yes. Observed: 1 variant allele. Not counted in ClinVar's aggregate classification.

PreventionGenetics, part of Exact Sciences
Classification: Pathogenic for BRCA2-related condition. Last evaluated: 2024-03-21. Review status: no assertion criteria provided. Collection method: clinical testing. Allele origin: germline. Not counted in ClinVar's aggregate classification.
Comment: The BRCA2 c.7007G>A variant is predicted to result in the amino acid substitution p.Arg2336His. This variant occurs at the last nucleotide of exon 13 and is predicted to alter splicing based on available splicing prediction programs (Alamut Visual Plus v1.6.1). Analysis of patient mRNA showed that this variant leads to exon skipping (Sanz et al. 2010. PubMed ID: 20215541; Houdayer et al. 2012. PubMed ID: 22505045). This variant has been reported to be causative for breast and ovarian cancer (Ahmad et al. 2012. PubMed ID: 22486713; Alhuqail et al. 2018. PubMed ID: 29297111; Table S3, Sun et al. 2017. PubMed ID: 28724667). This variant has also been documented in the compound heterozygous or homozygous state in patients with autosomal recessive Fanconi anemia (Degrolard-Courcet et al. 2014. PubMed ID: 24301060; Ghazwani et al. 2016. PubMed ID: 26968956). This variant has not been reported in a large population database, indicating this variant is rare. This variant has been interpreted in the ClinVar database as pathogenic. We classify this variant as pathogenic.

Clinical Laboratory Sciences Program (CLSP), King Saud bin Abdulaziz University for Health Sciences (KSAU-HS)
Classification: Pathogenic for Fanconi anemia complementation group D1. Last evaluated: 2023-04-01. Review status: no assertion criteria provided. Collection method: clinical testing. Allele origin: germline. Affected: yes. Not counted in ClinVar's aggregate classification.

BRCAlab, Lund University
Classification: Pathogenic for Breast-ovarian cancer, familial, susceptibility to, 2. Last evaluated: 2022-08-26. Review status: no assertion criteria provided. Collection method: clinical testing. Allele origin: germline. Affected: yes. Not counted in ClinVar's aggregate classification.

Biochemical Molecular Genetic Laboratory, King Abdulaziz Medical City
Classification: Likely pathogenic for Fanconi anemia complementation group D1. Last evaluated: 2019-09-26. Review status: no assertion criteria provided. Collection method: clinical testing. Allele origin: germline. Affected: yes. Not counted in ClinVar's aggregate classification.

CZECANCA consortium
Classification: Pathogenic for Breast and/or ovarian cancer. Last evaluated: 2019-06-11. Review status: no assertion criteria provided. Collection method: clinical testing. Allele origin: germline. Affected: yes. Observed: 2 variant alleles. Not counted in ClinVar's aggregate classification.

Counsyl
Classification: Pathogenic for Breast-ovarian cancer, familial, susceptibility to, 2. Last evaluated: 2015-06-30. Review status: no assertion criteria provided. Collection method: clinical testing. Allele origin: unknown. Not counted in ClinVar's aggregate classification.

Foulkes Cancer Genetics LDI, Lady Davis Institute for Medical Research
Classification: Pathogenic for Breast and/or ovarian cancer. Last evaluated: 2014-02-10. Review status: no assertion criteria provided. Collection method: clinical testing. Allele origin: germline. Study: The Canadian Open Genetics Repository (COGR). Not counted in ClinVar's aggregate classification.

Research Molecular Genetics Laboratory, Women's College Hospital, University of Toronto
Classification: Pathogenic for Hereditary breast ovarian cancer syndrome. Last evaluated: 2014-01-31. Review status: no assertion criteria provided. Collection method: research. Allele origin: germline. Affected: yes. Study: The Canadian Open Genetics Repository (COGR). Not counted in ClinVar's aggregate classification.

Sharing Clinical Reports Project (SCRP)
Classification: Pathogenic for Breast-ovarian cancer, familial 2. Last evaluated: 2012-10-25. Review status: no assertion criteria provided. Collection method: clinical testing. Allele origin: germline. Not counted in ClinVar's aggregate classification.

Breast Cancer Information Core (BIC) (BRCA2)
Classification: Pathogenic for Breast-ovarian cancer, familial 2. Last evaluated: 2004-02-20. Review status: no assertion criteria provided. Collection method: clinical testing. Allele origin: germline. Affected: yes. Observed: 20 variant alleles. Not counted in ClinVar's aggregate classification.

OMIM
Classification: Pathogenic for FANCONI ANEMIA, COMPLEMENTATION GROUP D1. Last evaluated: 2002-07-26. Review status: no assertion criteria provided. Collection method: literature only. Allele origin: germline. Not counted in ClinVar's aggregate classification.

Department of Pathology and Laboratory Medicine, Sinai Health System
Classification: Pathogenic. Review status: no assertion criteria provided. Collection method: clinical testing. Allele origin: unknown. Affected: yes. Study: The Canadian Open Genetics Repository (COGR). Not counted in ClinVar's aggregate classification.
Comment: The p.Arg2336His variant has been previously reported in the literature and by our laboratory. It has been reported in the literature in 7 out of 12688 proband chromosomes (Barber 2005, Easton 2007, Machackova 2008, Sanz 2010) in individuals with hereditary breast cancer, male breast cancer and AML. The p.Arg2336His variant occurs in the last base of the exon. This position has been shown to be part of the splicing consensus sequence and variants involving this position sometimes affect splicing. It is listed in dbSNP database (ID#: rs28897743), but no frequency information was provided. This variant was shown to induce aberrant splicing resulting in the deletion of the 70-bp exon 13 from the mRNA and causes a frameshift and premature stop codon in exon 14 (Thomassen 2006). Mutations causing frameshift and truncation of the BRCA2 protein have been shown to be clinically important, and loss of function of the BRCA2 gene represents an established disease mechanism in hereditary breast cancer patients. In addition, functional assays have shown a reduction in the full-length transcript production compared with wild-type cells, hypersensitivity to various DNA damaging agents, defect in HR-mediated DNA repair and an increase in genomic instability has been reported (Biswas 2011, Farrugia 2008). In summary, based on the above information, this variant is classified as Pathogenic.

Diagnostic Laboratory, Department of Genetics, University Medical Center Groningen
Classification: Pathogenic for Breast-ovarian cancer, familial, susceptibility to, 2. Review status: no assertion criteria provided. Collection method: clinical testing. Allele origin: germline. Affected: yes. Study: VKGL Data-share Consensus. Not counted in ClinVar's aggregate classification.

Joint Genome Diagnostic Labs from Nijmegen and Maastricht, Radboudumc and MUMC+
Classification: Pathogenic. Review status: no assertion criteria provided. Collection method: clinical testing. Allele origin: germline. Affected: yes. Study: VKGL Data-share Consensus. Not counted in ClinVar's aggregate classification.

Literature cited by the submitters: PubMed 31131967 (cited by 7 submitters); PubMed 12065746 (cited by 9 submitters); PubMed 21548014 (cited by Hema, HEMA – Genetic and Molecular Diagnostic Laboratory and Labcorp Genetics (formerly Invitae), Labcorp); PubMed 26968956 (cited by 10 submitters); PubMed 36089892 (cited by Hema, HEMA – Genetic and Molecular Diagnostic Laboratory); PubMed 18951446 (cited by Dasa); PubMed 21548016 (cited by Dasa); PubMed 18489799 (cited by 6 submitters); PubMed 16792514 (cited by 9 submitters); PubMed 20215541 (cited by 10 submitters); PubMed 22505045 (cited by 9 submitters); PubMed 16115142 (cited by 5 submitters); PubMed 22430266 (cited by 3 submitters); PubMed 22486713 (cited by 6 submitters); PubMed 25395318 (cited by 5 submitters); PubMed 27124784 (cited by Labcorp Genetics (formerly Invitae), Labcorp); PubMed 17576681 (cited by Labcorp Genetics (formerly Invitae), Labcorp); PubMed 9536098 (cited by Labcorp Genetics (formerly Invitae), Labcorp and Quest Diagnostics Nichols Institute San Juan Capistrano); PubMed 9150172 (cited by Labcorp Genetics (formerly Invitae), Labcorp); PubMed 20960228 (cited by Labcorp Genetics (formerly Invitae), Labcorp); PubMed 22399190 (cited by Labcorp Genetics (formerly Invitae), Labcorp); PubMed 21719596 (cited by 8 submitters); PubMed 24301060 (cited by Color Diagnostics, LLC DBA Color Health); PubMed 30192042 (cited by Color Diagnostics, LLC DBA Color Health); PubMed 31853058 (cited by Color Diagnostics, LLC DBA Color Health); PubMed 40413188 (cited by Color Diagnostics, LLC DBA Color Health); PubMed 15026808 (cited by 4 submitters); PubMed 18451181 (cited by 3 submitters); PubMed 29446198 (cited by Ambry Genetics and Sema4); PubMed 32854451 (cited by Ambry Genetics); PubMed 17924331 (cited by 3 submitters); PubMed 25556971 (cited by Quest Diagnostics Nichols Institute San Juan Capistrano); PubMed 30825404 (cited by 3 submitters); PubMed 26295337 (cited by Quest Diagnostics Nichols Institute San Juan Capistrano); PubMed 25186627 (cited by Sema4); PubMed 28294317 (cited by Sema4); PubMed 2661312 (cited by Sema4); PubMed 29161300 (cited by Sema4); PubMed 30078507 (cited by Sema4); PubMed 31782247 (cited by Sema4); PubMed 31742824 (cited by Sema4); PubMed 32341426 (cited by Sema4); PubMed 17453335 (cited by Women's Health and Genetics/Laboratory Corporation of America, LabCorp); PubMed 24916970 (cited by Women's Health and Genetics/Laboratory Corporation of America, LabCorp); PubMed 22460208 (cited by Women's Health and Genetics/Laboratory Corporation of America, LabCorp); PubMed 15146557 (cited by Women's Health and Genetics/Laboratory Corporation of America, LabCorp); PubMed 16931905 (cited by Women's Health and Genetics/Laboratory Corporation of America, LabCorp); PubMed 32295079 (cited by CZECANCA consortium); PubMed 24312913 (cited by Counsyl).